The following is an entry in ClinVar:

ClinVar aggregate classification (germline): Uncertain significance (1 of 4 stars; one submission).

Conditions:
Dilated cardiomyopathy 1JJ (CMD1JJ). Identifiers: Orphanet 154, MedGen C3808935, MONDO:0014095, OMIM 615235.

gnomAD v4.1: 4 of 1,589,480 alleles (0.00025%); highest among the groups gnomAD compares: South Asian, 0.0034%; no homozygotes.

Submission:

Labcorp Genetics (formerly Invitae), Labcorp
Classification: Uncertain significance for Dilated cardiomyopathy 1JJ. Last evaluated: 2021-05-30. Review status: criteria provided, single submitter. Criteria: Invitae Variant Classification Sherloc (09022015). Collection method: clinical testing. Allele origin: germline.
Comment: In summary, the available evidence is currently insufficient to determine the role of this variant in disease. Therefore, it has been classified as a Variant of Uncertain Significance. Algorithms developed to predict the effect of missense changes on protein structure and function are either unavailable or do not agree on the potential impact of this missense change (SIFT: "Deleterious"; PolyPhen-2: "Benign"; Align-GVGD: "Class C0"). This variant has not been reported in the literature in individuals with LAMA4-related conditions. This variant is not present in population databases (ExAC no frequency). This sequence change replaces alanine with glutamic acid at codon 63 of the LAMA4 protein (p.Ala63Glu). The alanine residue is moderately conserved and there is a moderate physicochemical difference between alanine and glutamic acid.

NM_001105206.3(LAMA4):c.188C>A (p.Ala63Glu)

Genes: LAMA4 (laminin subunit alpha 4; minus strand), LAMA4-AS1 (LAMA4 antisense RNA 1; plus strand). Cytogenetic location: 6q21.
Variant type: single nucleotide variant.
Coding change: c.188C>A on transcript NM_001105206.3 (MANE Select); coding-DNA position 188, C replaced by A.
Protein change: p.Ala63Glu; replaces alanine 63 with glutamic acid.
Molecular consequence: missense variant.
Genome position (GRCh38, 1-based): chr6:112,253,963, G>T on the plus strand (C>A on the coding strand, the complement: LAMA4 is on the minus strand). VCF-style: chr6-112253963-G-T. GRCh37 (hg19) VCF-style: chr6-112575165-G-T.
Other names: c.188C>A, p.Ala63Glu (NM_001105207.3, NM_001105208.3, NM_001105209.3 and 1 more transcripts); short protein forms A63E.
Identifiers: ClinVar variation 1494723 (VCV001494723.8), dbSNP rs370868386, ClinGen allele CA365518665.